The following is an entry in ClinVar:

ClinVar aggregate classification (germline): Uncertain significance (1 of 4 stars; one submission).

Allele frequency attached by ClinVar (database versions not stated): TOPMed below 0.00001.

Submission:

Labcorp Genetics (formerly Invitae), Labcorp
Classification: Uncertain significance. Last evaluated: 2022-04-07. Review status: criteria provided, single submitter. Criteria: Invitae Variant Classification Sherloc (09022015). Collection method: clinical testing. Allele origin: germline.
Comment: This sequence change replaces tyrosine, which is neutral and polar, with phenylalanine, which is neutral and non-polar, at codon 1266 of the SNRNP200 protein (p.Tyr1266Phe). This variant is not present in population databases (gnomAD no frequency). This variant has not been reported in the literature in individuals affected with SNRNP200-related conditions. Algorithms developed to predict the effect of missense changes on protein structure and function are either unavailable or do not agree on the potential impact of this missense change (SIFT: "Tolerated"; PolyPhen-2: "Probably Damaging"; Align-GVGD: "Class C0"). In summary, the available evidence is currently insufficient to determine the role of this variant in disease. Therefore, it has been classified as a Variant of Uncertain Significance.

NM_014014.5(SNRNP200):c.3797A>T (p.Tyr1266Phe)

Gene: SNRNP200 (small nuclear ribonucleoprotein U5 subunit 200; minus strand). Cytogenetic location: 2q11.2.
Variant type: single nucleotide variant.
Coding change: c.3797A>T on transcript NM_014014.5 (MANE Select); coding-DNA position 3797, A replaced by T.
Protein change: p.Tyr1266Phe; replaces tyrosine 1266 with phenylalanine.
Molecular consequence: missense variant.
Genome position (GRCh38, 1-based): chr2:96,286,720, T>A on the plus strand (A>T on the coding strand, the complement: SNRNP200 is on the minus strand). VCF-style: chr2-96286720-T-A. GRCh37 (hg19) VCF-style: chr2-96952458-T-A.
Other names: short protein forms Y1266F.
Identifiers: ClinVar variation 2122334 (VCV002122334.4), dbSNP rs1192931159, ClinGen allele CA347671231.